The following is an entry in ClinVar:

ClinVar aggregate classification (germline): Uncertain significance (1 of 4 stars; one submission).

Submission:

Ambry Genetics
Classification: Uncertain significance. Last evaluated: 2025-04-14. Review status: criteria provided, single submitter. Criteria: Ambry Variant Classification Scheme 2023. Collection method: clinical testing. Allele origin: germline.
Comment: The p.P127R variant (also known as c.380C>G), located in coding exon 3 of the GEN1 gene, results from a C to G substitution at nucleotide position 380. The proline at codon 127 is replaced by arginine, an amino acid with dissimilar properties. This amino acid position is conserved. In addition, this alteration is predicted to be deleterious by in silico analysis. Based on the available evidence, the clinical significance of this variant remains unclear.

NM_001130009.3(GEN1):c.380C>G (p.Pro127Arg)

Gene: GEN1 (GEN1 Holliday junction 5' flap endonuclease; plus strand). Cytogenetic location: 2p24.2.
Variant type: single nucleotide variant.
Coding change: c.380C>G on transcript NM_001130009.3 (MANE Select); coding-DNA position 380, C replaced by G.
Protein change: p.Pro127Arg; replaces proline 127 with arginine.
Molecular consequence: missense variant.
Genome position (GRCh38, 1-based): chr2:17,764,928, C>G. VCF-style: chr2-17764928-C-G. GRCh37 (hg19) VCF-style: chr2-17946195-C-G.
Other names: c.380C>G, p.Pro127Arg (NM_182625.5); short protein forms P127R.
Identifiers: ClinVar variation 4029227 (VCV004029227.1).